The following is an entry in ClinVar:

ClinVar aggregate classification (germline): Conflicting classifications of pathogenicity. Review status: criteria provided, conflicting classifications (1 of 4 stars). 3 submissions from 3 submitters: Uncertain significance (2); Likely benign (1). Last evaluated 2025-09-12.

Conditions:
Retinitis pigmentosa 30 (RP30). Identifiers: Orphanet 791, MedGen C1842816, MONDO:0011935, OMIM 607921.

Allele frequency attached by ClinVar (database versions not stated): TOPMed 0.00010; ESP Exome Variant Server 0.00016; ExAC 0.00018; gnomAD 0.00019.
gnomAD v4.1: 299 of 1,597,866 alleles (0.019%); highest among the groups gnomAD compares: Non-Finnish European, 0.025%; no homozygotes.

Submissions (3):

Labcorp Genetics (formerly Invitae), Labcorp
Classification: Uncertain significance. Last evaluated: 2025-09-12. Review status: criteria provided, single submitter. Criteria: Invitae Variant Classification Sherloc (09022015). Collection method: clinical testing. Allele origin: germline.
Comment: This sequence change replaces alanine, which is neutral and non-polar, with threonine, which is neutral and polar, at codon 240 of the FSCN2 protein (p.Ala240Thr). This variant is present in population databases (rs370156011, gnomAD 0.03%). This missense change has been observed in individual(s) with autosomal dominant macular dystrophy (PMID: 16280978). This variant is also known as c.854G>A. ClinVar contains an entry for this variant (Variation ID: 287052). An algorithm developed to predict the effect of missense changes on protein structure and function (PolyPhen-2) suggests that this variant is likely to be disruptive. In summary, the available evidence is currently insufficient to determine the role of this variant in disease. Therefore, it has been classified as a Variant of Uncertain Significance.

ARUP Laboratories, Molecular Genetics and Genomics, ARUP Laboratories
Classification: Likely benign for Retinitis pigmentosa 30. Last evaluated: 2018-09-27. Review status: criteria provided, single submitter. Criteria: ARUP Molecular Germline Variant Investigation Process. Collection method: clinical testing. Allele origin: germline.

Eurofins Ntd Llc (ga)
Classification: Uncertain significance. Last evaluated: 2016-04-14. Review status: criteria provided, single submitter. Criteria: EGL Classification Definitions 2015. Collection method: clinical testing. Allele origin: germline. Observed: 1 variant allele, 1 heterozygote.

Literature cited by the submitters: PubMed 16280978 (cited by Labcorp Genetics (formerly Invitae), Labcorp).

NM_012418.4(FSCN2):c.718G>A (p.Ala240Thr)

Gene: FSCN2 (fascin actin-bundling protein 2, retinal; plus strand). Cytogenetic location: 17q25.3.
Variant type: single nucleotide variant.
Coding change: c.718G>A on transcript NM_012418.4 (MANE Select); coding-DNA position 718, G replaced by A.
Protein change: p.Ala240Thr; replaces alanine 240 with threonine.
Molecular consequence: missense variant.
Genome position (GRCh38, 1-based): chr17:81,529,249, G>A. VCF-style: chr17-81529249-G-A. GRCh37 (hg19) VCF-style: chr17-79496275-G-A.
Other names: c.718G>A, p.Ala240Thr (NM_001077182.3); short protein forms A240T.
Identifiers: ClinVar variation 287052 (VCV000287052.20), dbSNP rs370156011, ClinGen allele CA8836760.
Genomic context (GRCh38, chr17:81,529,249, plus strand): 5'-GCCTTCAAGGACTGCGACGGCCACTACCTGGCACCCGTGGGGCCCGCAGGCACCCTCAAG[G>A]CCGGCCGAAACACGCGACCTGGCAAGGATGAGCTCTTTGATCTGGAGGAGAGTCACCCAC-3'
Protein context (NP_036550.1, residues 230-250): APVGPAGTLK[Ala240Thr]GRNTRPGKDE